The following is an entry in ClinVar:

ClinVar aggregate classification (germline): Likely pathogenic (1 of 4 stars; one submission).

Conditions:
ALOX12B-related disorder. Also called: ALOX12B-related condition.

Submission:

PreventionGenetics, part of Exact Sciences
Classification: Likely pathogenic for ALOX12B-related condition. Last evaluated: 2023-05-26. Review status: criteria provided, single submitter. Criteria: ACMG Guidelines, 2015. Collection method: clinical testing. Allele origin: germline.
Comment: The ALOX12B c.212_213delAA variant is predicted to result in a frameshift and premature protein termination (p.Lys71Argfs*53). To our knowledge, this variant has not been reported in the literature or in a large population database, indicating this variant is rare. Frameshift variants in ALOX12B are expected to be pathogenic. This variant is interpreted as likely pathogenic.

NM_001139.3(ALOX12B):c.212_213del (p.Lys71fs)

Gene: ALOX12B (arachidonate 12-lipoxygenase, 12R type; minus strand). Cytogenetic location: 17p13.1.
Variant type: Deletion.
Coding change: c.212_213del on transcript NM_001139.3 (MANE Select); coding-DNA positions 212 to 213, 2 bases deleted (AA; older notation c.212_213delAA).
Protein change: p.Lys71fs; shifts the reading frame from lysine 71.
Molecular consequence: frameshift variant.
Genome position (GRCh38, 1-based): chr17:8,086,155-8,086,156, TT deleted on the plus strand (AA on the coding strand, the reverse complement: ALOX12B is on the minus strand); deleting any 2 consecutive bases within chr17:8,086,155-8,086,157 gives the same sequence; the c. name uses the placement nearest the transcript's 3' end. VCF-style (leftmost placement, unchanged base first): chr17-8086154-CTT-C. GRCh37 (hg19) VCF-style: chr17-7989472-CTT-C.
Other names: short protein forms K71fs.
Identifiers: ClinVar variation 2633169 (VCV002633169.1), dbSNP rs2507707263, ClinGen allele CA2635961873.
Genomic context (GRCh38, chr17:8,086,154, plus strand): 5'-GGGCACAGATCTGCACATAGTTGCAGTACCAAGGGTCCTTGGGGAAGAAGGCGTACCGCT[CTT>C]TGTGCAGGCGGATGATGATGAGCTCACCCAGGTCCTGAGGGCACTGCACGGTGTACTGGC-3'